The following is an entry in ClinVar:

ClinVar aggregate classification (germline): Likely benign. Review status: criteria provided, single submitter (1 of 4 stars). 2 submissions from 2 submitters: Likely benign (1). 1 of the submissions does not count toward it. Last evaluated 2022-08-06.

Conditions:
FGF20-related disorder. Also called: FGF20-related condition.

Allele frequency attached by ClinVar (database versions not stated): TOPMed 0.00001; gnomAD exomes 0.00002; gnomAD 0.00003; ExAC 0.00015; 1000 Genomes Project 30x 0.00047; 1000 Genomes Project 0.00080.
gnomAD v4.1: 32 of 1,512,738 alleles (0.0021%); highest among the groups gnomAD compares: Middle Eastern, 0.034%; no homozygotes.

Submissions (2):

Labcorp Genetics (formerly Invitae), Labcorp
Classification: Likely benign. Last evaluated: 2022-08-06. Review status: criteria provided, single submitter. Criteria: Invitae Variant Classification Sherloc (09022015). Collection method: clinical testing. Allele origin: germline.

PreventionGenetics, part of Exact Sciences
Classification: Likely benign for FGF20-related condition. Last evaluated: 2019-04-25. Review status: no assertion criteria provided. Collection method: clinical testing. Allele origin: germline. Not counted in ClinVar's aggregate classification.
Comment: This variant is classified as likely benign based on ACMG/AMP sequence variant interpretation guidelines (Richards et al. 2015 PMID: 25741868, with internal and published modifications).

NM_019851.3(FGF20):c.60G>A (p.Gln20=)

Gene: FGF20 (fibroblast growth factor 20; minus strand). Cytogenetic location: 8p22.
Variant type: single nucleotide variant.
Coding change: c.60G>A on transcript NM_019851.3 (MANE Select); coding-DNA position 60, G replaced by A.
Protein change: p.Gln20=; no amino-acid change (glutamine 20 retained).
Molecular consequence: synonymous variant.
Genome position (GRCh38, 1-based): chr8:17,001,973, C>T on the plus strand (G>A on the coding strand, the complement: FGF20 is on the minus strand). VCF-style: chr8-17001973-C-T. GRCh37 (hg19) VCF-style: chr8-16859482-C-T.
Other names: c.60G>A (NM_019851.2).
Identifiers: ClinVar variation 1980958 (VCV001980958.6), dbSNP rs377477340, ClinGen allele CA4641730.
Genomic context (GRCh38, chr8:17,001,973, plus strand): 5'-GCGCTCGCCCAGCAGCGGCGGCCGCTCCCCGGCAGGAGGCAACAGGAAATGCGAACCCAC[C>T]TGCTGGCCCAAGCCCTCCAGGCCGCCCAGAAAGCCCCCGACTTCGGCTAAGGGAGCCATG-3'
Protein context (NP_062825.1, residues 10-30): FLGGLEGLGQ[Gln20=]VGSHFLLPPA